The following is an entry in ClinVar:

ClinVar aggregate classification (germline): Uncertain significance (1 of 4 stars; one submission).

Submission:

Ambry Genetics
Classification: Uncertain significance. Last evaluated: 2025-12-10. Review status: criteria provided, single submitter. Criteria: Ambry Variant Classification Scheme 2023. Collection method: clinical testing. Allele origin: germline.
Comment: The p.H746P variant (also known as c.2237A>C), located in coding exon 12 of the ATRIP gene, results from an A to C substitution at nucleotide position 2237. The histidine at codon 746 is replaced by proline, an amino acid with similar properties. This amino acid position is conserved. In addition, this alteration is predicted to be deleterious by in silico analysis. Based on the available evidence, the clinical significance of this variant remains unclear.

NM_130384.3(ATRIP):c.2237A>C (p.His746Pro)

Genes: ATRIP (ATR interacting protein; plus strand), ATRIP-TREX1 (ATRIP-TREX1 readthrough; plus strand). Cytogenetic location: 3p21.31.
Variant type: single nucleotide variant.
Coding change: c.2237A>C on transcript NM_130384.3 (MANE Select); coding-DNA position 2237, A replaced by C.
Protein change: p.His746Pro; replaces histidine 746 with proline.
Molecular consequence: missense variant. On other transcripts: non-coding transcript variant (1).
Genome position (GRCh38, 1-based): chr3:48,465,012, A>C. VCF-style: chr3-48465012-A-C. GRCh37 (hg19) VCF-style: chr3-48506411-A-C.
Other names: c.1856A>C, p.His619Pro (NM_001271022.2); c.1958A>C, p.His653Pro (NM_001271023.2); c.2156A>C, p.His719Pro (NM_032166.4); short protein forms H719P, H653P, H619P, H746P.
Identifiers: ClinVar variation 4644610 (VCV004644610.1).
Genomic context (GRCh38, chr3:48,465,012, plus strand): 5'-TGCTGCACGGCCTATCGCAGAAGGACAAGCTCTTCATGATGCACTGCGTGGAGGTCCTGC[A>C]TCAGTTTGACCAGGTGATGCCGGGGGTCAGCATGCTCATCCGAGGGCTTCCTGATGTGAC-3'
Protein context (NP_569055.1, residues 736-756): LFMMHCVEVL[His746Pro]QFDQVMPGVS